The following is an entry in ClinVar:

ClinVar aggregate classification (germline): Uncertain significance (1 of 4 stars; one submission).

Conditions:
Familial adenomatous polyposis 1 (FAP1). Also called: FAMILIAL ADENOMATOUS POLYPOSIS 1, ATTENUATED; POLYPOSIS, ADENOMATOUS INTESTINAL. Identifiers: MedGen C2713442, MONDO:0021056, OMIM 175100. Disease mechanism: loss of function.

Submission:

Labcorp Genetics (formerly Invitae), Labcorp
Classification: Uncertain significance for Familial adenomatous polyposis 1. Last evaluated: 2022-10-05. Review status: criteria provided, single submitter. Criteria: Invitae Variant Classification Sherloc (09022015). Collection method: clinical testing. Allele origin: germline.
Comment: This sequence change replaces valine, which is neutral and non-polar, with alanine, which is neutral and non-polar, at codon 198 of the APC protein (p.Val198Ala). This variant is not present in population databases (gnomAD no frequency). This variant has not been reported in the literature in individuals affected with APC-related conditions. ClinVar contains an entry for this variant (Variation ID: 1394207). Advanced modeling of protein sequence and biophysical properties (such as structural, functional, and spatial information, amino acid conservation, physicochemical variation, residue mobility, and thermodynamic stability) performed at Invitae indicates that this missense variant is not expected to disrupt APC protein function. In summary, the available evidence is currently insufficient to determine the role of this variant in disease. Therefore, it has been classified as a Variant of Uncertain Significance.

NM_000038.6(APC):c.593T>C (p.Val198Ala)

Gene: APC (APC regulator of Wnt signaling pathway; plus strand). Cytogenetic location: 5q22.2.
Variant type: single nucleotide variant.
Coding change: c.593T>C on transcript NM_000038.6 (MANE Select); coding-DNA position 593, T replaced by C.
Protein change: p.Val198Ala; replaces valine 198 with alanine.
Molecular consequence: missense variant. On other transcripts: 5 prime UTR variant (1).
Genome position (GRCh38, 1-based): chr5:112,780,851, T>C. VCF-style: chr5-112780851-T-C. GRCh37 (hg19) VCF-style: chr5-112116548-T-C.
Other names: c.593T>C, p.Val198Ala (NM_001127510.3, NM_001354895.2, NM_001354896.2 and 2 more transcripts); c.623T>C, p.Val208Ala (NM_001127511.3, NM_001354897.2, NM_001354902.2); c.518T>C, p.Val173Ala (NM_001354898.2, NM_001354904.2); c.416T>C, p.Val139Ala (NM_001354900.2, NM_001354901.2, NM_001354905.2); c.-443T>C (NM_001354906.2); short protein forms V198A, V208A, V139A, V173A.
Identifiers: ClinVar variation 1394207 (VCV001394207.6), dbSNP rs2149640071, ClinGen allele CA16022634.
Genomic context (GRCh38, chr5:112,780,851, plus strand): 5'-TTTCCTTACAAACAGATATGACCAGAAGGCAATTGGAATATGAAGCAAGGCAAATCAGAG[T>C]TGCGATGGAAGAACAACTAGGTACCTGCCAGGATATGGAAAAACGAGCACAGGTAAGTTA-3'
Protein context (NP_000029.2, residues 188-208): QLEYEARQIR[Val198Ala]AMEEQLGTCQ